The following is an entry in ClinVar:

ClinVar aggregate classification (germline): Uncertain significance. Review status: criteria provided, single submitter (1 of 4 stars). 2 submissions from 2 submitters: Uncertain significance (1). 1 of the submissions does not count toward it. Last evaluated 2025-08-21.

Conditions:
Isovaleryl-CoA dehydrogenase deficiency (IVA). Also called: ISOVALERIC ACID CoA DEHYDROGENASE DEFICIENCY; IVD DEFICIENCY; Classic Isovaleric Acidemia; Isovaleric acidemia. Identifiers: Orphanet 33, MedGen C0268575, MONDO:0009475, OMIM 243500.

Allele frequency attached by ClinVar (database versions not stated): gnomAD exomes below 0.00001; gnomAD 0.00001; TOPMed 0.00001.
gnomAD v4.1: 7 of 1,614,110 alleles (0.00043%); highest among the groups gnomAD compares: African/African-American, 0.0067%; no homozygotes.

Submissions (2):

Labcorp Genetics (formerly Invitae), Labcorp
Classification: Uncertain significance for Isovaleryl-CoA dehydrogenase deficiency. Last evaluated: 2025-08-21. Review status: criteria provided, single submitter. Criteria: Invitae Variant Classification Sherloc (09022015). Collection method: clinical testing. Allele origin: germline.
Comment: This sequence change replaces leucine, which is neutral and non-polar, with valine, which is neutral and non-polar, at codon 106 of the IVD protein (p.Leu106Val). This variant is present in population databases (no rsID available, gnomAD 0.007%). This missense change has been observed in individual(s) with clinical features of isovaleric acidemia (internal data). In at least one individual the data is consistent with being in trans (on the opposite chromosome) from a pathogenic variant. ClinVar contains an entry for this variant (Variation ID: 1011990). An algorithm developed to predict the effect of missense changes on protein structure and function (PolyPhen-2) suggests that this variant is likely to be tolerated. In summary, the available evidence is currently insufficient to determine the role of this variant in disease. Therefore, it has been classified as a Variant of Uncertain Significance.

Natera, Inc.
Classification: Uncertain significance for Isovaleryl-coa dehydrogenase deficiency. Last evaluated: 2018-09-11. Review status: no assertion criteria provided. Collection method: clinical testing. Allele origin: germline. Not counted in ClinVar's aggregate classification.

NM_002225.5(IVD):c.307C>G (p.Leu103Val)

Gene: IVD (isovaleryl-CoA dehydrogenase; plus strand). Cytogenetic location: 15q15.1.
Variant type: single nucleotide variant.
Coding change: c.307C>G on transcript NM_002225.5 (MANE Select); coding-DNA position 307, C replaced by G.
Protein change: p.Leu103Val; replaces leucine 103 with valine.
Molecular consequence: missense variant. On other transcripts: non-coding transcript variant (1).
Genome position (GRCh38, 1-based): chr15:40,410,648, C>G. VCF-style: chr15-40410648-C-G. GRCh37 (hg19) VCF-style: chr15-40702847-C-G.
Other names: c.217C>G, p.Leu73Val (NM_001159508.3); c.259C>G, p.Leu87Val (NM_001354597.3); c.307C>G, p.Leu103Val (NM_001354598.3, NM_001354601.3); c.394C>G, p.Leu132Val (NM_001354599.3, NM_001354600.3); short protein forms L103V, L132V, L73V, L87V.
Identifiers: ClinVar variation 1011990 (VCV001011990.11), dbSNP rs1465206137, ClinGen allele CA391716209.